The following is an entry in ClinVar:

NM_017534.6(MYH2):c.4329C>T (p.Ala1443=)

Genes: MYH2 (myosin heavy chain 2; minus strand), MYHAS (myosin heavy chain gene cluster antisense RNA; plus strand). Cytogenetic location: 17p13.1.
Variant type: single nucleotide variant.
Coding change: c.4329C>T on transcript NM_017534.6 (MANE Select); coding-DNA position 4329, C replaced by T.
Protein change: p.Ala1443=; no amino-acid change (alanine 1443 retained).
Molecular consequence: synonymous variant.
Genome position (GRCh38, 1-based): chr17:10,525,735, G>A on the plus strand (C>T on the coding strand, the complement: MYH2 is on the minus strand). VCF-style: chr17-10525735-G-A. GRCh37 (hg19) VCF-style: chr17-10429052-G-A.
Other names: p.Ala1443=; c.4329C>T, p.Ala1443= (NM_001100112.2).
Identifiers: ClinVar variation 465941 (VCV000465941.58), dbSNP rs61739663, ClinGen allele CA8390663.

ClinVar aggregate classification (germline): Benign/Likely benign. Review status: criteria provided, multiple submitters, no conflicts (2 of 4 stars). 7 submissions from 7 submitters: Benign (3); Likely benign (3). 1 of the submissions does not count toward it. Last evaluated 2026-08-01.

Conditions:
MYH2-related disorder. Also called: MYH2-related condition.
Myopathy, proximal, and ophthalmoplegia (CMYO6). Also called: MYOPATHY WITH CONGENITAL JOINT CONTRACTURES, OPHTHALMOPLEGIA, AND RIMMED VACUOLES; INCLUSION BODY MYOPATHY 3, AUTOSOMAL DOMINANT; CONGENITAL MYOPATHY 6 WITH OPHTHALMOPLEGIA. Identifiers: Orphanet 363677, Orphanet 79091, MedGen C1854106, MONDO:0011577, OMIM 605637.

Allele frequency attached by ClinVar (database versions not stated): gnomAD exomes 0.00377; ExAC 0.00396; gnomAD 0.00450 and 0.00465; 1000 Genomes Project 0.00479; TOPMed 0.00495; ESP Exome Variant Server 0.00554; 1000 Genomes Project 30x 0.00562.
gnomAD v4.1: 9,700 of 1,614,174 alleles (0.6%); highest among the groups gnomAD compares: Non-Finnish European, 0.74%; 39 homozygotes.

Submissions (7):

CeGaT Center for Human Genetics Tuebingen
Classification: Likely benign. Last evaluated: 2026-08-01. Review status: criteria provided, single submitter. Criteria: CeGaT Center For Human Genetics Tuebingen Variant Classification Criteria Version 2. Collection method: clinical testing. Allele origin: germline. Affected: yes. Observed: 8 variant alleles.
Comment: MYH2: BP4, BP7, BS2

Labcorp Genetics (formerly Invitae), Labcorp
Classification: Benign for Myopathy, proximal, and ophthalmoplegia. Last evaluated: 2026-01-31. Review status: criteria provided, single submitter. Criteria: Invitae Variant Classification Sherloc (09022015). Collection method: clinical testing. Allele origin: germline.

Blueprint Genetics
Classification: Likely benign. Last evaluated: 2024-11-26. Review status: criteria provided, single submitter. Criteria: ACMG Guidelines, 2015. Collection method: clinical testing. Allele origin: germline.

Mayo Clinic Laboratories, Mayo Clinic
Classification: Benign. Last evaluated: 2021-07-26. Review status: criteria provided, single submitter. Criteria: ACMG Guidelines, 2015. Collection method: clinical testing. Allele origin: germline. Observed: 11 variant alleles.
Comment: BS1, BS2

GeneDx
Classification: Likely benign. Last evaluated: 2020-09-14. Review status: criteria provided, single submitter. Criteria: GeneDx Variant Classification Process June 2021. Collection method: clinical testing. Allele origin: germline. Affected: yes.

Eurofins Ntd Llc (ga)
Classification: Benign. Last evaluated: 2016-09-30. Review status: criteria provided, single submitter. Criteria: EGL Classification Definitions 2015. Collection method: clinical testing. Allele origin: germline. Observed: 1 variant allele, 1 heterozygote.

PreventionGenetics, part of Exact Sciences
Classification: Likely benign for MYH2-related condition. Last evaluated: 2019-03-01. Review status: no assertion criteria provided. Collection method: clinical testing. Allele origin: germline. Not counted in ClinVar's aggregate classification.
Comment: This variant is classified as likely benign based on ACMG/AMP sequence variant interpretation guidelines (Richards et al. 2015 PMID: 25741868, with internal and published modifications).